The following is an entry in ClinVar:

NM_004415.4(DSP):c.1619T>C (p.Leu540Pro)

Gene: DSP (desmoplakin; plus strand). Cytogenetic location: 6p24.3.
Variant type: single nucleotide variant.
Coding change: c.1619T>C on transcript NM_004415.4 (MANE Select); coding-DNA position 1619, T replaced by C.
Protein change: p.Leu540Pro; replaces leucine 540 with proline.
Molecular consequence: missense variant.
Genome position (GRCh38, 1-based): chr6:7,570,481, T>C. VCF-style: chr6-7570481-T-C. GRCh37 (hg19) VCF-style: chr6-7570714-T-C.
Other names: c.1619T>C, p.Leu540Pro (NM_001008844.3, NM_001319034.2); short protein forms L540P.
Identifiers: ClinVar variation 2949110 (VCV002949110.4), dbSNP rs2533890352, ClinGen allele CA362678177.
Genomic context (GRCh38, chr6:7,570,481, plus strand): 5'-CCTTTGTGCCTCTTAGGATTGAGCAGTACTACGAAGCCATCTTGGCTCTGTGGAACCAGC[T>C]CTACATCAACATGAAGAGCCTGGTGTCCTGGCACTACTGCATGATTGACATAGAGAAGAT-3'
Protein context (NP_004406.2, residues 530-550): YEAILALWNQ[Leu540Pro]YINMKSLVSW

ClinVar aggregate classification (germline): Uncertain significance. Review status: criteria provided, multiple submitters, no conflicts (2 of 4 stars). 2 submissions from 2 submitters: Uncertain significance (2). Last evaluated 2025-07-02.

Conditions:
Arrhythmogenic cardiomyopathy with wooly hair and keratoderma. Also called: Dilated cardiomyopathy with woolly hair and keratoderma; PALMOPLANTAR KERATODERMA WITH LEFT VENTRICULAR CARDIOMYOPATHY AND WOOLLY HAIR; Carvajal syndrome; Arrhythmogenic cardiomyopathy with woolly hair and keratoderma. Identifiers: Orphanet 65282, MedGen C1854063, MONDO:0011581, OMIM 605676.
Arrhythmogenic right ventricular dysplasia 8 (ARVD8). Also called: Arrhythmogenic Right Ventricular Dysplasia/Cardiomyopathy 8; ARRHYTHMOGENIC RIGHT VENTRICULAR DYSPLASIA, FAMILIAL, 8; ARRHYTHMOGENIC RIGHT VENTRICULAR CARDIOMYOPATHY 8. Identifiers: MedGen C1843896, MONDO:0011831, OMIM 607450.
Cardiomyopathy (CMYO). Also called: Cardiomyopathies. Identifiers: Orphanet 167848, MedGen C0878544, MONDO:0004994, HP:0001638. Inheritance: Various modes of inheritance.

Submissions (2):

Color Diagnostics, LLC DBA Color Health
Classification: Uncertain significance for Cardiomyopathy. Last evaluated: 2025-07-02. Review status: criteria provided, single submitter. Criteria: ACMG Guidelines, 2015. Collection method: clinical testing. Allele origin: germline.
Comment: This missense variant replaces leucine with proline at codon 540 of the DSP protein. Computational prediction suggests that this variant may have a deleterious impact on protein structure and function. To our knowledge, functional studies have not been reported for this variant. This variant has been reported in an individual affected with short QT syndrome and sudden cardiac arrest (PMID: 30403391). This variant has not been identified in the general population by the Genome Aggregation Database (gnomAD). The available evidence is insufficient to determine the role of this variant in disease conclusively. Therefore, this variant is classified as a Variant of Uncertain Significance.

Labcorp Genetics (formerly Invitae), Labcorp
Classification: Uncertain significance for Arrhythmogenic cardiomyopathy with wooly hair and keratoderma; Arrhythmogenic right ventricular dysplasia 8. Last evaluated: 2024-02-23. Review status: criteria provided, single submitter. Criteria: Invitae Variant Classification Sherloc (09022015). Collection method: clinical testing. Allele origin: germline.
Comment: This sequence change replaces leucine, which is neutral and non-polar, with proline, which is neutral and non-polar, at codon 540 of the DSP protein (p.Leu540Pro). This variant is not present in population databases (gnomAD no frequency). This missense change has been observed in individual(s) with sudden cardiac arrest (PMID: 30403391). An algorithm developed to predict the effect of missense changes on protein structure and function (PolyPhen-2) suggests that this variant is likely to be disruptive. In summary, the available evidence is currently insufficient to determine the role of this variant in disease. Therefore, it has been classified as a Variant of Uncertain Significance.

Literature cited by the submitters: PubMed 30403391 (cited by Color Diagnostics, LLC DBA Color Health and Labcorp Genetics (formerly Invitae), Labcorp).